The following is an entry in ClinVar:

NM_004370.6(COL12A1):c.5554G>C (p.Val1852Leu)

Gene: COL12A1 (collagen type XII alpha 1 chain; minus strand). Cytogenetic location: 6q13.
Variant type: single nucleotide variant.
Coding change: c.5554G>C on transcript NM_004370.6 (MANE Select); coding-DNA position 5554, G replaced by C.
Protein change: p.Val1852Leu; replaces valine 1852 with leucine.
Molecular consequence: missense variant.
Genome position (GRCh38, 1-based): chr6:75,133,968, C>G on the plus strand (G>C on the coding strand, the complement: COL12A1 is on the minus strand). VCF-style: chr6-75133968-C-G. GRCh37 (hg19) VCF-style: chr6-75843684-C-G.
Other names: c.2062G>C, p.Val688Leu (NM_080645.3); short protein forms V1852L, V688L.
Identifiers: ClinVar variation 2194646 (VCV002194646.4), dbSNP rs1166564694, ClinGen allele CA364735381.

ClinVar aggregate classification (germline): Uncertain significance (1 of 4 stars; one submission).

Conditions:
Ullrich congenital muscular dystrophy 2 (UCMD2). Identifiers: Orphanet 75840, MedGen C4225314, MONDO:0014654, OMIM 616470.
Bethlem myopathy 2 (BTHLM2). Identifiers: Orphanet 536516, Orphanet 610, MedGen C4225313, MONDO:0034022, OMIM 616471.

gnomAD v4.1: 1 of 1,613,982 alleles (0.000062%); highest among the groups gnomAD compares: Non-Finnish European, 0.000085%; no homozygotes.

Submission:

Labcorp Genetics (formerly Invitae), Labcorp
Classification: Uncertain significance for Bethlem myopathy 2; Ullrich congenital muscular dystrophy 2. Last evaluated: 2023-04-05. Review status: criteria provided, single submitter. Criteria: Invitae Variant Classification Sherloc (09022015). Collection method: clinical testing. Allele origin: germline.
Comment: This sequence change replaces valine, which is neutral and non-polar, with leucine, which is neutral and non-polar, at codon 1852 of the COL12A1 protein (p.Val1852Leu). This variant is not present in population databases (gnomAD no frequency). This variant has not been reported in the literature in individuals affected with COL12A1-related conditions. ClinVar contains an entry for this variant (Variation ID: 2194646). Advanced modeling of protein sequence and biophysical properties (such as structural, functional, and spatial information, amino acid conservation, physicochemical variation, residue mobility, and thermodynamic stability) has been performed at Invitae for this missense variant, however the output from this modeling did not meet the statistical confidence thresholds required to predict the impact of this variant on COL12A1 protein function. In summary, the available evidence is currently insufficient to determine the role of this variant in disease. Therefore, it has been classified as a Variant of Uncertain Significance.